The following is an entry in ClinVar:

ClinVar aggregate classification (germline): Uncertain significance (1 of 4 stars; one submission).

Conditions:
Aortic aneurysm, familial thoracic 7 (AAT7). Also called: AORTIC DISSECTION, FAMILIAL, WITH OR WITHOUT AORTIC ANEURYSM. Identifiers: MedGen C3151077, MONDO:0013418, OMIM 613780.

Submission:

Labcorp Genetics (formerly Invitae), Labcorp
Classification: Uncertain significance for Aortic aneurysm, familial thoracic 7. Last evaluated: 2017-11-04. Review status: criteria provided, single submitter. Criteria: Invitae Variant Classification Sherloc (09022015). Collection method: clinical testing. Allele origin: germline.
Comment: In summary, the available evidence is currently insufficient to determine the role of this variant in disease. Therefore, it has been classified as a Variant of Uncertain Significance. Algorithms developed to predict the effect of missense changes on protein structure and function do not agree on the potential impact of this missense change (SIFT: "Deleterious"; PolyPhen-2: "Benign"; Align-GVGD: "Class C0"). This variant has not been reported in the literature in individuals with MYLK-related disease. This variant is not present in population databases (ExAC no frequency). This sequence change replaces histidine with arginine at codon 1583 of the MYLK protein (p.His1583Arg). The histidine residue is highly conserved and there is a small physicochemical difference between histidine and arginine.

NM_053025.4(MYLK):c.4748A>G (p.His1583Arg)

Gene: MYLK (myosin light chain kinase; minus strand). Cytogenetic location: 3q21.1.
Variant type: single nucleotide variant.
Coding change: c.4748A>G on transcript NM_053025.4 (MANE Select); coding-DNA position 4748, A replaced by G.
Protein change: p.His1583Arg; replaces histidine 1583 with arginine.
Molecular consequence: missense variant.
Genome position (GRCh38, 1-based): chr3:123,640,376, T>C on the plus strand (A>G on the coding strand, the complement: MYLK is on the minus strand). VCF-style: chr3-123640376-T-C. GRCh37 (hg19) VCF-style: chr3-123359223-T-C.
Other names: c.4220A>G, p.His1407Arg (NM_001321309.2); c.4541A>G, p.His1514Arg (NM_053026.4, NM_053028.4); c.4748A>G, p.His1583Arg (NM_053027.4); short protein forms H1583R, H1407R, H1514R.
Identifiers: ClinVar variation 539080 (VCV000539080.8), dbSNP rs1553778145, ClinGen allele CA354226042.